The following is an entry in ClinVar:

ClinVar aggregate classification (germline): Uncertain significance (1 of 4 stars; one submission).

Submission:

Ambry Genetics
Classification: Uncertain significance. Last evaluated: 2025-08-19. Review status: criteria provided, single submitter. Criteria: Ambry Variant Classification Scheme 2023. Collection method: clinical testing. Allele origin: germline.
Comment: The p.T376S variant (also known as c.1127C>G), located in coding exon 6 of the PALLD gene, results from a C to G substitution at nucleotide position 1127. The threonine at codon 376 is replaced by serine, an amino acid with similar properties. This amino acid position is conserved. In addition, this alteration is predicted to be tolerated by in silico analysis. Based on the available evidence, the clinical significance of this variant remains unclear.

NM_001166108.2(PALLD):c.2639C>G (p.Thr880Ser)

Genes: CBR4 (carbonyl reductase 4; minus strand), PALLD (palladin, cytoskeletal associated protein; plus strand). Cytogenetic location: 4q32.3.
Variant type: single nucleotide variant.
Coding change: c.2639C>G on transcript NM_001166108.2 (MANE Select); coding-DNA position 2639, C replaced by G.
Protein change: p.Thr880Ser; replaces threonine 880 with serine.
Molecular consequence: missense variant.
Genome position (GRCh38, 1-based): chr4:168,913,943, C>G. VCF-style: chr4-168913943-C-G. GRCh37 (hg19) VCF-style: chr4-169835094-C-G.
Other names: c.1442C>G, p.Thr481Ser (NM_001166109.2); c.1127C>G, p.Thr376Ser (NM_001166110.2); c.467C>G, p.Thr156Ser (NM_001367567.1, NM_001367569.1); c.518C>G, p.Thr173Ser (NM_001367568.1, NM_001367570.1); c.2588C>G, p.Thr863Ser (NM_016081.4); short protein forms T376S, T156S, T173S, T863S, T880S, T481S.
Identifiers: ClinVar variation 4130441 (VCV004130441.1).